The following is an entry in ClinVar:

NM_000059.4(BRCA2):c.7417_7418insTC (p.Cys2473fs)

Gene: BRCA2 (BRCA2 DNA repair associated; plus strand). Cytogenetic location: 13q13.1.
Variant type: Insertion.
Coding change: c.7417_7418insTC on transcript NM_000059.4 (MANE Select); coding-DNA positions 7417 to 7418, TC inserted.
Protein change: p.Cys2473fs; shifts the reading frame from cysteine 2473.
Molecular consequence: frameshift variant.
Genome position: GRCh38 VCF-style: chr13-32355270-T-TTC. GRCh37 (hg19) VCF-style: chr13-32929407-T-TTC.
Other names: c.7321_7322insTC, p.Cys2441Phefs (NM_001406719.1); c.7417_7418insTC, p.Cys2473Phefs (NM_001406720.1); c.2485_2486insTC, p.Cys829Phefs (NM_001406721.1); c.1000_1001insTC, p.Cys334Phefs (NM_001406722.1); short protein forms C2473fs.
Identifiers: ClinVar variation 1758806 (VCV001758806.3), dbSNP rs2548540737, ClinGen allele CA2580087447.
Genomic context (GRCh38, chr13:32,355,270, plus strand): 5'-GAGATTCATCAGTTTAACAAAAACAACTCCAATCAAGCAGTAGCTGTAACTTTCACAAAG[T>TTC]GTGAAGAAGAACCTTTAGGTATTGTATGACAATTTGTGTGATGAATTTTTGCCTTTCAGT-3'

ClinVar aggregate classification (germline): Pathogenic. Review status: criteria provided, multiple submitters, no conflicts (2 of 4 stars). 2 submissions from 2 submitters: Pathogenic (2). Last evaluated 2025-04-13.

Conditions:
Hereditary cancer-predisposing syndrome. Also called: Neoplastic Syndromes, Hereditary; Tumor predisposition; Hereditary Cancer Syndrome; Hereditary neoplastic syndrome. Identifiers: Orphanet 140162, MedGen C0027672, MeSH D009386, MONDO:0015356.
Hereditary breast ovarian cancer syndrome. Also called: Hereditary breast and/or ovarian cancer syndrome; Hereditary breast and ovarian cancer syndrome; Breast and ovarian cancer; Hereditary breast and ovarian cancer; BRCA1- and BRCA2-Associated Hereditary Breast and Ovarian Cancer; Hereditary breast and ovarian cancer syndrome (HBOC). Identifiers: Orphanet 145, MedGen C0677776, MeSH D061325, MONDO:0003582. Disease mechanism: loss of function.

Submissions (2):

Labcorp Genetics (formerly Invitae), Labcorp
Classification: Pathogenic for Hereditary breast ovarian cancer syndrome. Last evaluated: 2025-04-13. Review status: criteria provided, single submitter. Criteria: Invitae Variant Classification Sherloc (09022015). Collection method: clinical testing. Allele origin: germline.
Comment: This sequence change creates a premature translational stop signal (p.Cys2473Phefs*7) in the BRCA2 gene. It is expected to result in an absent or disrupted protein product. Loss-of-function variants in BRCA2 are known to be pathogenic (PMID: 20104584). This variant is not present in population databases (gnomAD no frequency). This variant has not been reported in the literature in individuals affected with BRCA2-related conditions. ClinVar contains an entry for this variant (Variation ID: 1758806). For these reasons, this variant has been classified as Pathogenic.

Ambry Genetics
Classification: Pathogenic for Hereditary cancer-predisposing syndrome. Last evaluated: 2022-03-21. Review status: criteria provided, single submitter. Criteria: Ambry Variant Classification Scheme 2023. Collection method: clinical testing. Allele origin: germline.
Comment: The c.7417_7418insTC pathogenic mutation, located in coding exon 13 of the BRCA2 gene, results from an insertion of two nucleotides at position 7417, causing a translational frameshift with a predicted alternate stop codon (p.C2473Ffs*7). This alteration is expected to result in loss of function by premature protein truncation or nonsense-mediated mRNA decay. As such, this alteration is interpreted as a disease-causing mutation.

Literature cited by the submitters: PubMed 20104584 (cited by Labcorp Genetics (formerly Invitae), Labcorp).